The following is an entry in ClinVar:

NM_000135.4(FANCA):c.2118C>G (p.Ile706Met)

Gene: FANCA (FA complementation group A; minus strand). Cytogenetic location: 16q24.3.
Variant type: single nucleotide variant.
Coding change: c.2118C>G on transcript NM_000135.4 (MANE Select); coding-DNA position 2118, C replaced by G.
Protein change: p.Ile706Met; replaces isoleucine 706 with methionine.
Molecular consequence: missense variant.
Genome position (GRCh38, 1-based): chr16:89,771,711, G>C on the plus strand (C>G on the coding strand, the complement: FANCA is on the minus strand). VCF-style: chr16-89771711-G-C. GRCh37 (hg19) VCF-style: chr16-89838119-G-C.
Other names: c.2118C>G, p.Ile706Met (NM_001286167.3); short protein forms I706M.
Identifiers: ClinVar variation 2071446 (VCV002071446.2), dbSNP rs759592118, ClinGen allele CA8251906.

ClinVar aggregate classification (germline): Uncertain significance. Review status: criteria provided, multiple submitters, no conflicts (2 of 4 stars). 2 submissions from 2 submitters: Uncertain significance (2). Last evaluated 2025-01-09.

Conditions:
Fanconi anemia (FA). Also called: Fanconi's anemia. Identifiers: Orphanet 84, MedGen C0015625, MeSH D005199, MONDO:0019391.
Inborn genetic diseases. Identifiers: MedGen C0950123, MeSH D030342.

Allele frequency attached by ClinVar (database versions not stated): ExAC 0.00001.
gnomAD v4.1: 17 of 1,614,148 alleles (0.0011%); highest among the groups gnomAD compares: Non-Finnish European, 0.0014%; no homozygotes.

Submissions (2):

Ambry Genetics
Classification: Uncertain significance for Inborn genetic diseases. Last evaluated: 2025-01-09. Review status: criteria provided, single submitter. Criteria: Ambry Variant Classification Scheme 2023. Collection method: clinical testing. Allele origin: germline.
Comment: The p.I706M variant (also known as c.2118C>G), located in coding exon 23 of the FANCA gene, results from a C to G substitution at nucleotide position 2118. The isoleucine at codon 706 is replaced by methionine, an amino acid with highly similar properties. This amino acid position is conserved. In addition, this alteration is predicted to be tolerated by in silico analysis. Based on the available evidence, the clinical significance of this variant remains unclear.

Labcorp Genetics (formerly Invitae), Labcorp
Classification: Uncertain significance for Fanconi anemia. Last evaluated: 2021-12-30. Review status: criteria provided, single submitter. Criteria: Invitae Variant Classification Sherloc (09022015). Collection method: clinical testing. Allele origin: germline.
Comment: This sequence change replaces isoleucine, which is neutral and non-polar, with methionine, which is neutral and non-polar, at codon 706 of the FANCA protein (p.Ile706Met). This variant is present in population databases (rs759592118, gnomAD 0.002%). This variant has not been reported in the literature in individuals affected with FANCA-related conditions. Advanced modeling of protein sequence and biophysical properties (such as structural, functional, and spatial information, amino acid conservation, physicochemical variation, residue mobility, and thermodynamic stability) performed at Invitae indicates that this missense variant is not expected to disrupt FANCA protein function. In summary, the available evidence is currently insufficient to determine the role of this variant in disease. Therefore, it has been classified as a Variant of Uncertain Significance.